The following is an entry in ClinVar:

ClinVar aggregate classification (germline): Conflicting classifications of pathogenicity. Review status: criteria provided, conflicting classifications (1 of 4 stars). 5 submissions from 4 submitters: Uncertain significance (2); Benign (2); Likely benign (1). Last evaluated 2025-10-04.

Conditions:
Mitochondrial complex I deficiency, nuclear type 1. Also called: NADH-COENZYME Q REDUCTASE DEFICIENCY; MITOCHONDRIAL NADH DEHYDROGENASE COMPONENT OF COMPLEX I, DEFICIENCY OF. Identifiers: MedGen C6022305, MONDO:0100224, OMIM 252010.
Leigh syndrome (NULS). Also called: LEIGH SYNDROME, NUCLEAR; Leigh Syndrome (mtDNA deletion); Leigh's necrotizing encephalopathy; Leigh's disease; Leigh's syndrome; Subacute necrotizing encephalopathy. Identifiers: Orphanet 506, MedGen C2931891, MONDO:0009723, OMIM 256000.

Allele frequency attached by ClinVar (database versions not stated): ESP Exome Variant Server 0.00015; gnomAD exomes 0.00019 and 0.00042; gnomAD 0.00020 and 0.00021; TOPMed 0.00025; ExAC 0.00033.
gnomAD v4.1: 341 of 1,613,808 alleles (0.021%); highest among the groups gnomAD compares: Middle Eastern, 0.25%; 3 homozygotes.

Submissions (5):

Labcorp Genetics (formerly Invitae), Labcorp
Classification: Benign. Last evaluated: 2025-10-04. Review status: criteria provided, single submitter. Criteria: Invitae Variant Classification Sherloc (09022015). Collection method: clinical testing. Allele origin: germline.

CeGaT Center for Human Genetics Tuebingen
Classification: Likely benign. Last evaluated: 2025-09-01. Review status: criteria provided, single submitter. Criteria: CeGaT Center For Human Genetics Tuebingen Variant Classification Criteria Version 2. Collection method: clinical testing. Allele origin: germline. Affected: yes. Observed: 2 variant alleles.
Comment: NDUFS3: BP4, BP7

Illumina Laboratory Services, Illumina
Classification: Uncertain significance for Mitochondrial complex I deficiency, nuclear type 1. Last evaluated: 2018-01-13. Review status: criteria provided, single submitter. Criteria: ICSL Variant Classification Criteria 13 December 2019. Collection method: clinical testing. Allele origin: germline.

Illumina Laboratory Services, Illumina
Classification: Uncertain significance for Leigh syndrome. Last evaluated: 2018-01-13. Review status: criteria provided, single submitter. Criteria: ICSL Variant Classification Criteria 13 December 2019. Collection method: clinical testing. Allele origin: germline.

GeneDx
Classification: Benign. Last evaluated: 2014-10-02. Review status: criteria provided, single submitter. Criteria: GeneDx Variant Classification (06012015). Collection method: clinical testing. Allele origin: germline. Affected: yes.
Comment: This variant is considered likely benign or benign based on one or more of the following criteria: it is a conservative change, it occurs at a poorly conserved position in the protein, it is predicted to be benign by multiple in silico algorithms, and/or has population frequency not consistent with disease.

NM_004551.3(NDUFS3):c.123C>T (p.Ala41=)

Gene: NDUFS3 (NADH:ubiquinone oxidoreductase core subunit S3; plus strand). Cytogenetic location: 11p11.2.
Variant type: single nucleotide variant.
Coding change: c.123C>T on transcript NM_004551.3 (MANE Select); coding-DNA position 123, C replaced by T.
Protein change: p.Ala41=; no amino-acid change (alanine 41 retained).
Molecular consequence: synonymous variant.
Genome position (GRCh38, 1-based): chr11:47,579,324, C>T. VCF-style: chr11-47579324-C-T. GRCh37 (hg19) VCF-style: chr11-47600876-C-T.
Other names: p.A41A:GCC>GCT.
Identifiers: ClinVar variation 214804 (VCV000214804.23), dbSNP rs141187412, ClinGen allele CA324576.
Genomic context (GRCh38, chr11:47,579,324, plus strand): 5'-TGCAGGGACTGGGCGACCCTCCGTTCTGTTGCTGCCGGTGAGGCGGGAGAGCGCCGGGGC[C>T]GACACGCGCCGTGAGTATGTGCGGGCAGCGCTCTTCTCTGAACTATCGGCGGGGCCCCTT-3'
Protein context (NP_004542.1, residues 31-51): LLPVRRESAG[Ala41=]DTRPTVRPRN